The following is an entry in ClinVar:

ClinVar aggregate classification (germline): Uncertain significance. Review status: criteria provided, multiple submitters, no conflicts (2 of 4 stars). 5 submissions from 5 submitters: Uncertain significance (5). Last evaluated 2026-03-17.

Conditions:
Myopathy, myofibrillar, 9, with early respiratory failure (MFM9). Also called: Myopathy, distal, with early respiratory failure, autosomal dominant; Hereditary myopathy with early respiratory failure; EDSTROM MYOPATHY; MYOPATHY, PROXIMAL, WITH EARLY RESPIRATORY MUSCLE INVOLVEMENT. Identifiers: Orphanet 178464, Orphanet 34521, MedGen C1863599, MONDO:0011362, OMIM 603689.
Dilated cardiomyopathy 1G (CMD1G). Identifiers: Orphanet 154, MedGen C1858763, MONDO:0011400, OMIM 604145.
Early-onset myopathy with fatal cardiomyopathy (CMYO5). Also called: CONGENITAL MYOPATHY 5 WITH CARDIOMYOPATHY; Salih Myopathy. Identifiers: Orphanet 289377, MedGen C2673677, MONDO:0012714, OMIM 611705. Disease mechanism: loss of function.
Hypertrophic cardiomyopathy 9. Also called: Familial hypertrophic cardiomyopathy 9. Identifiers: MedGen C1861065, MONDO:0013412, OMIM 613765.
Autosomal recessive limb-girdle muscular dystrophy type 2J (LGMDR10). Also called: MUSCULAR DYSTROPHY, LIMB-GIRDLE, AUTOSOMAL RECESSIVE 10; Limb-girdle muscular dystrophy, type 2J. Identifiers: Orphanet 140922, MedGen C1837342, MONDO:0012127, OMIM 608807.
Tibial muscular dystrophy (TMD). Also called: Tibial muscular dystrophy, tardive; Udd Distal Myopathy – Tibial Muscular Dystrophy; UDD MYOPATHY. Identifiers: Orphanet 609, MedGen C1838244, MONDO:0010870, OMIM 600334.
Cardiomyopathy (CMYO). Also called: Cardiomyopathies. Identifiers: Orphanet 167848, MedGen C0878544, MONDO:0004994, HP:0001638. Inheritance: Various modes of inheritance.
TTN-related disorder. Also called: TTN-related condition; TTN-related disease; TTN-related disorders.

Allele frequency attached by ClinVar (database versions not stated): gnomAD 0.00002; gnomAD exomes 0.00002 and 0.00006; TOPMed 0.00002; ExAC 0.00003; ESP Exome Variant Server 0.00008.
gnomAD v4.1: 84 of 1,611,860 alleles (0.0052%); highest among the groups gnomAD compares: Non-Finnish European, 0.0069%; no homozygotes.

Submissions (5):

PreventionGenetics, part of Exact Sciences
Classification: Uncertain significance for TTN-related condition. Last evaluated: 2026-03-17. Review status: criteria provided, single submitter. Criteria: ACMG Guidelines, 2015. Collection method: clinical testing. Allele origin: germline.
Comment: The TTN c.48346G>A variant is predicted to result in the amino acid substitution p.Val16116Ile. To our knowledge, this variant has not been reported in the literature. This variant is reported in 0.0036% of alleles in individuals of European (Non-Finnish) descent in gnomAD. At this time, the clinical significance of this variant is uncertain due to the absence of conclusive functional and genetic evidence.

Revvity Omics, Revvity
Classification: Uncertain significance. Last evaluated: 2024-05-10. Review status: criteria provided, single submitter. Criteria: ACMG Guidelines, 2015. Collection method: clinical testing. Allele origin: germline.

Fulgent Genetics
Classification: Uncertain significance for Tibial muscular dystrophy; Myopathy, myofibrillar, 9, with early respiratory failure; Dilated cardiomyopathy 1G; Autosomal recessive limb-girdle muscular dystrophy type 2J; Early-onset myopathy with fatal cardiomyopathy; Hypertrophic cardiomyopathy 9. Last evaluated: 2021-10-06. Review status: criteria provided, single submitter. Criteria: ACMG Guidelines, 2015. Collection method: clinical testing. Allele origin: unknown.

CHEO Genetics Diagnostic Laboratory, Children's Hospital of Eastern Ontario
Classification: Uncertain significance for Cardiomyopathy. Last evaluated: 2021-09-27. Review status: criteria provided, single submitter. Criteria: ACMG Guidelines, 2015. Collection method: clinical testing. Allele origin: germline.

ARUP Laboratories, Molecular Genetics and Genomics, ARUP Laboratories
Classification: Uncertain significance. Last evaluated: 2018-09-28. Review status: criteria provided, single submitter. Criteria: ARUP Molecular Germline Variant Investigation Process. Collection method: clinical testing. Allele origin: germline.
Comment: The TTN: p.Val13548Ile variant is rare in the general population (<1% allele frequency in the Genome Aggregation Database) and have not been reported in the medical literature in association with dilated cardiomyopathy (DCM) or other TTN-related disease. The clinical relevance of rare missense variants in this gene, which are identified on average once per individual sequenced in affected populations (Herman 2012), is not well understood. While the clinical significance of such variants is considered uncertain, evidence suggests that the vast majority of missense variants do not contribute to the clinical outcome of DCM (Begay 2015). Given the available evidence, the clinical significance of the p.Arg13618Leu and p.Ala7671Gly variants cannot be determined with certainty.

NM_001267550.2(TTN):c.48346G>A (p.Val16116Ile)

Genes: TTN (titin; minus strand), TTN-AS1 (TTN antisense RNA 1; plus strand). Cytogenetic location: 2q31.2.
Variant type: single nucleotide variant.
Coding change: c.48346G>A on transcript NM_001267550.2 (MANE Select); coding-DNA position 48346, G replaced by A.
Protein change: p.Val16116Ile; replaces valine 16116 with isoleucine.
Molecular consequence: missense variant.
Genome position (GRCh38, 1-based): chr2:178,615,755, C>T on the plus strand (G>A on the coding strand, the complement: TTN is on the minus strand). VCF-style: chr2-178615755-C-T. GRCh37 (hg19) VCF-style: chr2-179480482-C-T.
Other names: c.43423G>A, p.Val14475Ile (NM_001256850.1); c.21151G>A, p.Val7051Ile (NM_003319.4); c.40642G>A, p.Val13548Ile (NM_133378.4); c.21526G>A, p.Val7176Ile (NM_133432.3); c.21727G>A, p.Val7243Ile (NM_133437.4); short protein forms V13548I, V16116I, V14475I, V7051I, V7176I, V7243I.
Identifiers: ClinVar variation 618462 (VCV000618462.15), dbSNP rs367769671, ClinGen allele CA1994845.
Genomic context (GRCh38, chr2:178,615,755, plus strand): 5'-CACATTTGTTACGAGCACAAACTTTAAATAAGTACTCTTTTCCTTGAACAAGATCAGGAA[C>T]TGTGAATTCTAGATCAGTCACAAAGTCCATAACCTGGGACAAAGAAATACAGTTAATCAG-3'
Protein context (NP_001254479.2, residues 16106-16126): MDFVTDLEFT[Val16116Ile]PDLVQGKEYL